The following is an entry in ClinVar:

NM_172240.3(POC1B):c.232G>T (p.Ala78Ser)

Genes: POC1B (POC1 centriolar protein B; minus strand), POC1B-DUSP6 (POC1B-DUSP6 readthrough; minus strand). Cytogenetic location: 12q21.33.
Variant type: single nucleotide variant.
Coding change: c.232G>T on transcript NM_172240.3 (MANE Select); coding-DNA position 232, G replaced by T.
Protein change: p.Ala78Ser; replaces alanine 78 with serine.
Molecular consequence: missense variant.
Genome position (GRCh38, 1-based): chr12:89,497,211, C>A on the plus strand (G>T on the coding strand, the complement: POC1B is on the minus strand). VCF-style: chr12-89497211-C-A. GRCh37 (hg19) VCF-style: chr12-89890988-C-A.
Other names: c.232G>T (NM_172240.2); c.106G>T, p.Ala36Ser (NM_001199777.2); short protein forms A36S, A78S.
Identifiers: ClinVar variation 1040219 (VCV001040219.6), dbSNP rs201096824, ClinGen allele CA6714580.
Genomic context (GRCh38, chr12:89,497,211, plus strand): 5'-TGTTTCTTTGTTTCTCTTACTTATCAGGAATCCAGAGTCTCACGGTTCTGTCTCGTGAGG[C>A]AGACGCCAATAAGTTTCCATGTGGAGAAAACTGCACGCTGGTTACAACATCCTTGTGACC-3'
Protein context (NP_758440.1, residues 68-88): FSPHGNLLAS[Ala78Ser]SRDRTVRLWI

ClinVar aggregate classification (germline): Uncertain significance. Review status: criteria provided, multiple submitters, no conflicts (2 of 4 stars). 2 submissions from 2 submitters: Uncertain significance (2). Last evaluated 2023-11-17.

Conditions:
Inborn genetic diseases. Identifiers: MedGen C0950123, MeSH D030342.

Allele frequency attached by ClinVar (database versions not stated): gnomAD exomes 0.00001 and 0.00003; TOPMed 0.00002; ExAC 0.00001; gnomAD 0.00001.
gnomAD v4.1: 44 of 1,613,820 alleles (0.0027%); highest among the groups gnomAD compares: Non-Finnish European, 0.0036%; no homozygotes.

Submissions (2):

Ambry Genetics
Classification: Uncertain significance for Inborn genetic diseases. Last evaluated: 2023-11-17. Review status: criteria provided, single submitter. Criteria: Ambry Variant Classification Scheme 2023. Collection method: clinical testing. Allele origin: germline.

Labcorp Genetics (formerly Invitae), Labcorp
Classification: Uncertain significance. Last evaluated: 2021-08-28. Review status: criteria provided, single submitter. Criteria: Invitae Variant Classification Sherloc (09022015). Collection method: clinical testing. Allele origin: germline.
Comment: This sequence change replaces alanine with serine at codon 78 of the POC1B protein (p.Ala78Ser). The alanine residue is highly conserved and there is a moderate physicochemical difference between alanine and serine. This variant is present in population databases (rs201096824, ExAC 0.001%). This variant has not been reported in the literature in individuals affected with POC1B-related conditions. Advanced modeling of protein sequence and biophysical properties (such as structural, functional, and spatial information, amino acid conservation, physicochemical variation, residue mobility, and thermodynamic stability) performed at Invitae indicates that this missense variant is not expected to disrupt POC1B protein function. In summary, the available evidence is currently insufficient to determine the role of this variant in disease. Therefore, it has been classified as a Variant of Uncertain Significance.